The following is an entry in ClinVar:

ClinVar aggregate classification (germline): Conflicting classifications of pathogenicity. Review status: criteria provided, conflicting classifications (1 of 4 stars). 9 submissions from 9 submitters: Uncertain significance (1); Benign (1); Likely benign (6). 1 of the submissions does not count toward it. Last evaluated 2026-02-02.

Conditions:
TSC1-related disorder. Also called: TSC1-related condition.
Hereditary cancer-predisposing syndrome. Also called: Hereditary Cancer Syndrome; Tumor predisposition; Hereditary neoplastic syndrome; Neoplastic Syndromes, Hereditary. Identifiers: Orphanet 140162, MedGen C0027672, MeSH D009386, MONDO:0015356.
Tuberous sclerosis syndrome (TSC). Also called: Tuberous sclerosis; Tuberous Sclerosis Complex. Identifiers: Orphanet 805, MedGen C0041341, MONDO:0001734.
Tuberous sclerosis 1 (TSC1). Identifiers: Orphanet 805, MedGen C1854465, MONDO:0008612, OMIM 191100.

Allele frequency attached by ClinVar (database versions not stated): ExAC 0.00001; gnomAD exomes 0.00002; TOPMed 0.00003; gnomAD 0.00004.
gnomAD v4.1: 66 of 1,613,408 alleles (0.0041%); highest among the groups gnomAD compares: Non-Finnish European, 0.005%; no homozygotes.

Submissions (9):

Labcorp Genetics (formerly Invitae), Labcorp
Classification: Likely benign for Tuberous sclerosis 1. Last evaluated: 2026-02-02. Review status: criteria provided, single submitter. Criteria: Invitae Variant Classification Sherloc (09022015). Collection method: clinical testing. Allele origin: germline.

Myriad Genetics, Inc.
Classification: Likely benign for Tuberous sclerosis 1. Last evaluated: 2025-05-29. Review status: criteria provided, single submitter. Criteria: Myriad Autosomal Dominant, Autosomal Recessive and X-Linked Classification Criteria (2023). Collection method: clinical testing. Allele origin: unknown.
Comment: This variant is considered likely benign. This variant is a silent/synonymous amino acid change and it is not expected to impact splicing.

All of Us Research Program, National Institutes of Health
Classification: Likely benign for Tuberous sclerosis syndrome. Last evaluated: 2024-04-25. Review status: criteria provided, single submitter. Criteria: ACMG Guidelines, 2015. Collection method: clinical testing. Allele origin: germline. Inheritance: Autosomal dominant inheritance. Observed: 8 variant alleles, 8 heterozygotes.
Comment: This study involves interpretation of variants in research participants for the purpose of population health screening. Participant phenotype was not available at the time of variant classification. Additional details can be found in publication PMID: 35346344, PMCID: PMC8962531

Color Diagnostics, LLC DBA Color Health
Classification: Likely benign for Tuberous sclerosis syndrome. Last evaluated: 2024-04-18. Review status: criteria provided, single submitter. Criteria: ACMG Guidelines, 2015. Collection method: clinical testing. Allele origin: germline.

Genome-Nilou Lab
Classification: Benign for Tuberous sclerosis 1. Last evaluated: 2021-11-07. Review status: criteria provided, single submitter. Criteria: ACMG Guidelines, 2015. Collection method: clinical testing. Allele origin: germline. Affected: no.

Sema4
Classification: Uncertain significance for Hereditary cancer-predisposing syndrome. Last evaluated: 2021-09-14. Review status: criteria provided, single submitter. Criteria: Sema4 Curation Guidelines. Collection method: curation. Allele origin: germline.
Comment: The TSC1 c.1332A>G (p.S444=) variant has not been reported in the literature to our knowledge. It was observed in 6/282730 chromosomes in the large and broad cohorts of the Genome Aggregation Database (PMID: 32461654). The variant has been reported in ClinVar (Variation ID 207632). In silico tools suggest that the variant may destroy or weaken the natural splice site 2 bps downstream, though these predictions have not been confirmed by functional studies. The evidence is insufficient to meet ACMG/AMP criteria for classifying the variant as benign or pathogenic. Thus, the clinical significance of this variant is currently uncertain.

Ambry Genetics
Classification: Likely benign for Hereditary cancer-predisposing syndrome. Last evaluated: 2020-10-29. Review status: criteria provided, single submitter. Criteria: Ambry Variant Classification Scheme 2023. Collection method: clinical testing. Allele origin: germline.

GeneDx
Classification: Likely benign. Last evaluated: 2020-09-28. Review status: criteria provided, single submitter. Criteria: GeneDx Variant Classification Process June 2021. Collection method: clinical testing. Allele origin: germline. Affected: yes.

PreventionGenetics, part of Exact Sciences
Classification: Likely benign for TSC1-related condition. Last evaluated: 2023-08-18. Review status: no assertion criteria provided. Collection method: clinical testing. Allele origin: germline. Not counted in ClinVar's aggregate classification.
Comment: This variant is classified as likely benign based on ACMG/AMP sequence variant interpretation guidelines (Richards et al. 2015 PMID: 25741868, with internal and published modifications).

NM_000368.5(TSC1):c.1332A>G (p.Ser444=)

Gene: TSC1 (TSC complex subunit 1; minus strand). Cytogenetic location: 9q34.13.
Variant type: single nucleotide variant.
Coding change: c.1332A>G on transcript NM_000368.5 (MANE Select); coding-DNA position 1332, A replaced by G.
Protein change: p.Ser444=; no amino-acid change (serine 444 retained).
Molecular consequence: synonymous variant.
Genome position (GRCh38, 1-based): chr9:132,907,302, T>C on the plus strand (A>G on the coding strand, the complement: TSC1 is on the minus strand). VCF-style: chr9-132907302-T-C. GRCh37 (hg19) VCF-style: chr9-135782689-T-C.
Other names: p.S444S:TCA>TCG; c.1329A>G, p.Ser443= (NM_001162426.2); c.1179A>G, p.Ser393= (NM_001162427.2); c.969A>G, p.Ser323= (NM_001362177.2).
Identifiers: ClinVar variation 207632 (VCV000207632.26), dbSNP rs773003016, ClinGen allele CA028083.